The following is an entry in ClinVar:

NM_000268.4(NF2):c.1685A>C (p.His562Pro)

Gene: NF2 (NF2, moesin-ezrin-radixin like (MERLIN) tumor suppressor; plus strand). Cytogenetic location: 22q12.2.
Variant type: single nucleotide variant.
Coding change: c.1685A>C on transcript NM_000268.4 (MANE Select); coding-DNA position 1685, A replaced by C.
Protein change: p.His562Pro; replaces histidine 562 with proline.
Molecular consequence: missense variant. On other transcripts: intron variant (3).
Genome position (GRCh38, 1-based): chr22:29,681,549, A>C. VCF-style: chr22-29681549-A-C. GRCh37 (hg19) VCF-style: chr22-30077538-A-C.
Other names: c.1571A>C, p.His524Pro (NM_001407053.1, NM_001407056.1); c.1562A>C, p.His521Pro (NM_001407054.1, NM_001407058.1, NM_181829.3); c.1559A>C, p.His520Pro (NM_001407055.1, NM_181828.3); c.1550A>C, p.His517Pro (NM_001407057.1, NM_001407059.1); c.1427A>C, p.His476Pro (NM_001407062.1); c.1436A>C, p.His479Pro (NM_181830.3, NM_181831.3, NM_001407063.1); c.1685A>C, p.His562Pro (NM_181832.3, NM_001407066.1, NM_016418.5 and 1 more transcripts); c.1574+3226A>C (NM_001407060.1); and 4 more; short protein forms H384P, H476P, H479P, H485P, H517P, H520P, H521P, H524P.
Identifiers: ClinVar variation 3075260 (VCV003075260.1), dbSNP rs878853926, ClinGen allele CA411150338.

ClinVar aggregate classification (germline): Uncertain significance (1 of 4 stars; one submission).

Conditions:
Neurofibromatosis, type 2 (SWNV). Also called: BILATERAL ACOUSTIC NEUROFIBROMATOSIS; NF2-Related Schwannomatosis; SCHWANNOMATOSIS, VESTIBULAR. Identifiers: Orphanet 637, MedGen C0027832, MONDO:0007039, OMIM 101000. Disease mechanism: loss of function.

Submission:

All of Us Research Program, National Institutes of Health
Classification: Uncertain significance for Neurofibromatosis, type 2. Last evaluated: 2024-01-03. Review status: criteria provided, single submitter. Criteria: ACMG Guidelines, 2015. Collection method: clinical testing. Allele origin: germline. Inheritance: Autosomal dominant inheritance. Observed: 1 variant allele, 1 heterozygote.
Comment: This missense variant replaces histidine with proline at codon 562 of the NF2 protein. Computational prediction suggests that this variant may have deleterious impact on protein structure and function (internally defined REVEL score threshold >= 0.7, PMID: 27666373). To our knowledge, functional studies have not been reported for this variant. This variant has not been reported in individuals affected with NF2-related disorders in the literature. This variant has not been identified in the general population by the Genome Aggregation Database (gnomAD). The available evidence is insufficient to determine the role of this variant in disease conclusively. Therefore, this variant is classified as a Variant of Uncertain Significance.

This study involves interpretation of variants in research participants for the purpose of population health screening. Participant phenotype was not available at the time of variant classification. Additional details can be found in publication PMID: 35346344, PMCID: PMC8962531